The following is an entry in ClinVar:

NM_004958.4(MTOR):c.1054G>T (p.Ala352Ser)

Gene: MTOR (mechanistic target of rapamycin kinase; minus strand). Cytogenetic location: 1p36.22.
Variant type: single nucleotide variant.
Coding change: c.1054G>T on transcript NM_004958.4 (MANE Select); coding-DNA position 1054, G replaced by T.
Protein change: p.Ala352Ser; replaces alanine 352 with serine.
Molecular consequence: missense variant. On other transcripts: 5 prime UTR variant (1).
Genome position (GRCh38, 1-based): chr1:11,247,881, C>A on the plus strand (G>T on the coding strand, the complement: MTOR is on the minus strand). VCF-style: chr1-11247881-C-A. GRCh37 (hg19) VCF-style: chr1-11307938-C-A.
Other names: c.1054G>T, p.Ala352Ser (NM_001386500.1); c.-86G>T (NM_001386501.1); short protein forms A352S.
Identifiers: ClinVar variation 2486985 (VCV002486985.3), dbSNP rs2100939918, ClinGen allele CA338399599.

ClinVar aggregate classification (germline): Uncertain significance. Review status: criteria provided, multiple submitters, no conflicts (2 of 4 stars). 2 submissions from 2 submitters: Uncertain significance (2). Last evaluated 2026-06-25.

Conditions:
Inborn genetic diseases. Identifiers: MedGen C0950123, MeSH D030342.

Submissions (2):

Greenwood Genetic Center Diagnostic Laboratories, Greenwood Genetic Center
Classification: Uncertain significance. Last evaluated: 2026-06-25. Review status: criteria provided, single submitter. Criteria: ACMG Guidelines, 2015. Collection method: clinical testing. Allele origin: germline.
Comment: PM2, BP4, PP2

Ambry Genetics
Classification: Uncertain significance for Inborn genetic diseases. Last evaluated: 2023-02-22. Review status: criteria provided, single submitter. Criteria: Ambry Variant Classification Scheme 2023. Collection method: clinical testing. Allele origin: germline.